The following is an entry in ClinVar:

ClinVar aggregate classification (germline): Uncertain significance. Review status: criteria provided, multiple submitters, no conflicts (2 of 4 stars). 2 submissions from 2 submitters: Uncertain significance (2). Last evaluated 2024-06-11.

Conditions:
Aortic aneurysm, familial thoracic 4 (AAT4). Also called: AORTIC ANEURYSM/AORTIC DISSECTION AND PATENT DUCTUS ARTERIOSUS. Identifiers: MedGen C1851504, MONDO:0007568, OMIM 132900.

Allele frequency attached by ClinVar (database versions not stated): gnomAD exomes below 0.00001.
gnomAD v4.1: 1 of 1,614,024 alleles (0.000062%); highest among the groups gnomAD compares: South Asian, 0.0011%; no homozygotes.

Submissions (2):

Labcorp Genetics (formerly Invitae), Labcorp
Classification: Uncertain significance for Aortic aneurysm, familial thoracic 4. Last evaluated: 2024-06-11. Review status: criteria provided, single submitter. Criteria: Invitae Variant Classification Sherloc (09022015). Collection method: clinical testing. Allele origin: germline.
Comment: This sequence change replaces asparagine, which is neutral and polar, with serine, which is neutral and polar, at codon 1037 of the MYH11 protein (p.Asn1037Ser). This variant is present in population databases (no rsID available, gnomAD 0.003%). This variant has not been reported in the literature in individuals affected with MYH11-related conditions. ClinVar contains an entry for this variant (Variation ID: 2433866). Advanced modeling of protein sequence and biophysical properties (such as structural, functional, and spatial information, amino acid conservation, physicochemical variation, residue mobility, and thermodynamic stability) performed at Invitae indicates that this missense variant is not expected to disrupt MYH11 protein function with a negative predictive value of 95%. In summary, the available evidence is currently insufficient to determine the role of this variant in disease. Therefore, it has been classified as a Variant of Uncertain Significance.

Revvity Omics, Revvity
Classification: Uncertain significance. Last evaluated: 2020-12-04. Review status: criteria provided, single submitter. Criteria: ACMG Guidelines, 2015. Collection method: clinical testing. Allele origin: germline.

NM_002474.3(MYH11):c.3089A>G (p.Asn1030Ser)

Gene: MYH11 (myosin heavy chain 11; minus strand). Cytogenetic location: 16p13.11.
Variant type: single nucleotide variant.
Coding change: c.3089A>G on transcript NM_002474.3 (MANE Select); coding-DNA position 3089, A replaced by G.
Protein change: p.Asn1030Ser; replaces asparagine 1030 with serine.
Molecular consequence: missense variant.
Genome position (GRCh38, 1-based): chr16:15,738,597, T>C on the plus strand (A>G on the coding strand, the complement: MYH11 is on the minus strand). VCF-style: chr16-15738597-T-C. GRCh37 (hg19) VCF-style: chr16-15832454-T-C.
Other names: c.3110A>G, p.Asn1037Ser (NM_001040113.2, NM_001040114.2); c.3089A>G, p.Asn1030Ser (NM_022844.3); short protein forms N1030S, N1037S.
Identifiers: ClinVar variation 2433866 (VCV002433866.5), dbSNP rs1207278935, ClinGen allele CA394863706.